The following is an entry in ClinVar:

NM_024642.5(GALNT12):c.191T>A (p.Val64Asp)

Gene: GALNT12 (polypeptide N-acetylgalactosaminyltransferase 12; plus strand). Cytogenetic location: 9q22.33.
Variant type: single nucleotide variant.
Coding change: c.191T>A on transcript NM_024642.5 (MANE Select); coding-DNA position 191, T replaced by A.
Protein change: p.Val64Asp; replaces valine 64 with aspartic acid.
Molecular consequence: missense variant.
Genome position (GRCh38, 1-based): chr9:98,807,889, T>A. VCF-style: chr9-98807889-T-A. GRCh37 (hg19) VCF-style: chr9-101570171-T-A.
Other names: short protein forms V64D.
Identifiers: ClinVar variation 1782648 (VCV001782648.2), dbSNP rs2118256852, ClinGen allele CA374222489.

ClinVar aggregate classification (germline): Uncertain significance (1 of 4 stars; one submission).

Submission:

Ambry Genetics
Classification: Uncertain significance. Last evaluated: 2022-02-13. Review status: criteria provided, single submitter. Criteria: Ambry Variant Classification Scheme 2023. Collection method: clinical testing. Allele origin: germline.
Comment: The p.V64D variant (also known as c.191T>A), located in coding exon 1 of the GALNT12 gene, results from a T to A substitution at nucleotide position 191. The valine at codon 64 is replaced by aspartic acid, an amino acid with highly dissimilar properties. This amino acid position is conserved. In addition, this alteration is predicted to be tolerated by in silico analysis. Since supporting evidence is limited at this time, the clinical significance of this alteration remains unclear.